The following is an entry in ClinVar:

NM_152564.5(VPS13B):c.8287del (p.Ala2763fs)

Gene: VPS13B (vacuolar protein sorting 13 homolog B; plus strand). Cytogenetic location: 8q22.2.
Variant type: Deletion.
Coding change: c.8287del on transcript NM_152564.5 (MANE Select); coding-DNA position 8287, one base deleted (G; older notation c.8287delG).
Protein change: p.Ala2763fs; shifts the reading frame from alanine 2763.
Molecular consequence: frameshift variant.
Genome position (GRCh38, 1-based): chr8:99,817,729, G deleted; the last of 2 consecutive G bases (chr8:99,817,728-99,817,729); deleting either gives the same sequence. VCF-style (leftmost placement, unchanged base first): chr8-99817727-AG-A. GRCh37 (hg19) VCF-style: chr8-100829955-AG-A.
Other names: c.8362del, p.Ala2788fs (NM_017890.5); c.8362delG (NM_017890.3); short protein forms A2788fs, A2763fs.
Identifiers: ClinVar variation 451400 (VCV000451400.8), dbSNP rs1554565645, ClinGen allele CA658657816.
Genomic context (GRCh38, chr8:99,817,727, plus strand): 5'-CCAAACAGAAATTGCCTTCGTACATACTAGAAAACAATGAACTGACGGAGCTGTGTGTGA[AG>A]GCCAAAGGAGATGAAGACTGGTCAAGAGATGTGTGCCTGGAATCCAAAGCCCCTGAGTAC-3'

ClinVar aggregate classification (germline): Pathogenic. Review status: criteria provided, multiple submitters, no conflicts (2 of 4 stars). 2 submissions from 2 submitters: Pathogenic (2). Last evaluated 2022-10-25.

Conditions:
Cohen syndrome (COH1). Also called: PEPPER SYNDROME; Cutis verticis gyrata, retinitis pigmentosa, and sensorineural deafness. Identifiers: Orphanet 193, MedGen C0265223, MONDO:0008999, OMIM 216550.

Submissions (2):

Labcorp Genetics (formerly Invitae), Labcorp
Classification: Pathogenic for Cohen syndrome. Last evaluated: 2022-10-25. Review status: criteria provided, single submitter. Criteria: Invitae Variant Classification Sherloc (09022015). Collection method: clinical testing. Allele origin: germline.
Comment: This variant is not present in population databases (gnomAD no frequency). For these reasons, this variant has been classified as Pathogenic. ClinVar contains an entry for this variant (Variation ID: 451400). This variant has not been reported in the literature in individuals affected with VPS13B-related conditions. This sequence change creates a premature translational stop signal (p.Ala2788Profs*41) in the VPS13B gene. It is expected to result in an absent or disrupted protein product. Loss-of-function variants in VPS13B are known to be pathogenic (PMID: 15141358, 16648375, 20461111).

GeneDx
Classification: Pathogenic. Last evaluated: 2021-12-28. Review status: criteria provided, single submitter. Criteria: GeneDx Variant Classification Process June 2021. Collection method: clinical testing. Allele origin: germline. Affected: yes.
Comment: Frameshift variant predicted to result in protein truncation or nonsense mediated decay in a gene for which loss-of-function is a known mechanism of disease; Not observed at significant frequency in large population cohorts (Lek et al., 2016); Has not been previously published as pathogenic or benign to our knowledge

Literature cited by the submitters: PubMed 15141358 (cited by Labcorp Genetics (formerly Invitae), Labcorp); PubMed 16648375 (cited by Labcorp Genetics (formerly Invitae), Labcorp); PubMed 20461111 (cited by Labcorp Genetics (formerly Invitae), Labcorp).